The following is an entry in ClinVar:

ClinVar aggregate classification (germline): Likely benign. Review status: reviewed by expert panel (3 of 4 stars). 17 submissions from 17 submitters: Likely benign (1). 16 of the submissions do not count toward it. Last evaluated 2017-06-29.

Conditions:
Fanconi anemia, complementation group S (FANCS). Identifiers: MedGen C4554406, MONDO:0054748, OMIM 617883.
BRCA1-related disorder. Also called: BRCA1-related condition.
Breast and/or ovarian cancer. Identifiers: MedGen CN221562.
Breast-ovarian cancer, familial, susceptibility to, 1 (BROVCA1). Also called: OVARIAN CANCER, SUSCEPTIBILITY TO; BRCA1 Hereditary Breast and Ovarian Cancer. Identifiers: Orphanet 145, MedGen C2676676, MONDO:0011450, OMIM 604370. Disease mechanism: loss of function.
Hereditary breast ovarian cancer syndrome. Also called: Hereditary breast and ovarian cancer; Hereditary breast and ovarian cancer syndrome (HBOC); Breast and ovarian cancer; Hereditary breast and/or ovarian cancer syndrome; BRCA1- and BRCA2-Associated Hereditary Breast and Ovarian Cancer; Hereditary breast and ovarian cancer syndrome. Identifiers: Orphanet 145, MedGen C0677776, MeSH D061325, MONDO:0003582. Disease mechanism: loss of function.
Hereditary cancer-predisposing syndrome. Also called: Tumor predisposition; Neoplastic Syndromes, Hereditary; Hereditary Cancer Syndrome; Hereditary neoplastic syndrome. Identifiers: Orphanet 140162, MedGen C0027672, MeSH D009386, MONDO:0015356.

Allele frequency attached by ClinVar (database versions not stated): gnomAD exomes 0.00001.
gnomAD v4.1: 23 of 1,613,452 alleles (0.0014%); highest among the groups gnomAD compares: African/African-American, 0.017%; no homozygotes.

Submissions (17):

Evidence-based Network for the Interpretation of Germline Mutant Alleles (ENIGMA)
Classification: Likely benign for Breast-ovarian cancer, familial, susceptibility to, 1. Last evaluated: 2017-06-29. Review status: reviewed by expert panel. Criteria: ENIGMA BRCA1/2 Classification Criteria (2017-06-29). Collection method: curation. Allele origin: germline.
Comment: Synonymous substitution variant, with low bioinformatic likelihood to result in a splicing aberration (Splicing prior probability 0.02).

Labcorp Genetics (formerly Invitae), Labcorp
Classification: Likely benign for Hereditary breast ovarian cancer syndrome. Last evaluated: 2025-12-23. Review status: criteria provided, single submitter. Criteria: Invitae Variant Classification Sherloc (09022015). Collection method: clinical testing. Allele origin: germline. Not counted in ClinVar's aggregate classification.

CeGaT Center for Human Genetics Tuebingen
Classification: Likely benign. Last evaluated: 2025-06-01. Review status: criteria provided, single submitter. Criteria: CeGaT Center For Human Genetics Tuebingen Variant Classification Criteria Version 2. Collection method: clinical testing. Allele origin: germline. Affected: yes. Observed: 2 variant alleles. Not counted in ClinVar's aggregate classification.
Comment: BRCA1: BP4, BP7

Blueprint Genetics
Classification: Likely benign. Last evaluated: 2024-08-22. Review status: criteria provided, single submitter. Criteria: ACMG Guidelines, 2015. Collection method: clinical testing. Allele origin: germline. Not counted in ClinVar's aggregate classification.

KCCC/NGS Laboratory, Kuwait Cancer Control Center
Classification: Likely benign for Breast-ovarian cancer, familial, susceptibility to, 1. Last evaluated: 2023-07-07. Review status: criteria provided, single submitter. Criteria: ACMG Guidelines, 2015. Collection method: clinical testing. Allele origin: germline. Affected: yes. Not counted in ClinVar's aggregate classification.

All of Us Research Program, National Institutes of Health
Classification: Likely benign for Breast-ovarian cancer, familial, susceptibility to, 1. Last evaluated: 2023-05-16. Review status: criteria provided, single submitter. Criteria: ACMG Guidelines, 2015. Collection method: clinical testing. Allele origin: germline. Inheritance: Autosomal dominant inheritance. Observed: 2 variant alleles, 2 heterozygotes. Not counted in ClinVar's aggregate classification.
Comment: This study involves interpretation of variants in research participants for the purpose of population health screening. Participant phenotype was not available at the time of variant classification. Additional details can be found in publication PMID: 35346344, PMCID: PMC8962531

Department of Pathology and Laboratory Medicine, Sinai Health System
Classification: Uncertain significance for Fanconi anemia, complementation group S. Last evaluated: 2022-11-03. Review status: criteria provided, single submitter. Criteria: ACMG Guidelines, 2015. Collection method: clinical testing. Allele origin: germline. Affected: yes. Not counted in ClinVar's aggregate classification.

CHEO Genetics Diagnostic Laboratory, Children's Hospital of Eastern Ontario
Classification: Uncertain significance for Breast and/or ovarian cancer. Last evaluated: 2022-10-17. Review status: criteria provided, single submitter. Criteria: ACMG Guidelines, 2015. Collection method: clinical testing. Allele origin: germline. Not counted in ClinVar's aggregate classification.

Quest Diagnostics Nichols Institute San Juan Capistrano
Classification: Likely benign. Last evaluated: 2021-04-27. Review status: criteria provided, single submitter. Criteria: Quest Diagnostics criteria. Collection method: clinical testing. Allele origin: unknown. Not counted in ClinVar's aggregate classification.

Women's Health and Genetics/Laboratory Corporation of America, LabCorp
Classification: Likely benign. Last evaluated: 2019-08-21. Review status: criteria provided, single submitter. Criteria: LabCorp Variant Classification Summary - May 2015. Collection method: clinical testing. Allele origin: germline. Not counted in ClinVar's aggregate classification.

Color Diagnostics, LLC DBA Color Health
Classification: Likely benign for Hereditary cancer-predisposing syndrome. Last evaluated: 2016-06-13. Review status: criteria provided, single submitter. Criteria: ACMG Guidelines, 2015. Collection method: clinical testing. Allele origin: germline. Not counted in ClinVar's aggregate classification.

GeneDx
Classification: Benign. Last evaluated: 2015-04-23. Review status: criteria provided, single submitter. Criteria: GeneDx Variant Classification Process June 2021. Collection method: clinical testing. Allele origin: germline. Affected: yes. Not counted in ClinVar's aggregate classification.

Ambry Genetics
Classification: Likely benign for Hereditary cancer-predisposing syndrome. Last evaluated: 2014-12-19. Review status: criteria provided, single submitter. Criteria: Ambry Variant Classification Scheme 2023. Collection method: clinical testing. Allele origin: germline. Not counted in ClinVar's aggregate classification.

University of Washington Department of Laboratory Medicine, University of Washington
Classification: Pathogenic for Breast-ovarian cancer, familial, susceptibility to, 1. Last evaluated: 2021-07-21. Review status: no assertion criteria provided. Collection method: clinical testing. Allele origin: unknown. Affected: no. Not counted in ClinVar's aggregate classification.
Comment: Based on functional RNA studies, the BRCA1 c.5022C>T variant was shown to disrupt splicing regulatory motifs in BRCA1 exon 17 and results in exon skipping, which leads to a premature stop codon in 32% of transcripts from the variant allele (Casadei 2019). These studies provide some evidence that this variant is pathogenic for a hypomorphic risk. Because this variant results in some full length BRCA1 transcripts, the cancer risks conferred by this variant are likely to be different than the risks associated with other pathogenic BRCA1 variants. Some literature suggests that variants like this one should be classified as variants of uncertain significance because the level of associated risk has not been established (Fraile-Bethencourt 2017).

PreventionGenetics, part of Exact Sciences
Classification: Likely benign for BRCA1-related condition. Last evaluated: 2020-05-11. Review status: no assertion criteria provided. Collection method: clinical testing. Allele origin: germline. Not counted in ClinVar's aggregate classification.
Comment: This variant is classified as likely benign based on ACMG/AMP sequence variant interpretation guidelines (Richards et al. 2015 PMID: 25741868, with internal and published modifications).

King Laboratory, University of Washington
Classification: Pathogenic for Hereditary breast and ovarian cancer syndrome; Breast-ovarian cancer, familial 1. Last evaluated: 2019-09-01. Review status: no assertion criteria provided. Collection method: research. Allele origin: germline. Affected: yes. Not counted in ClinVar's aggregate classification.
Comment: Transcript analysis by cBROCA

Counsyl
Classification: Likely benign for Breast-ovarian cancer, familial, susceptibility to, 1. Last evaluated: 2017-05-24. Review status: no assertion criteria provided. Collection method: clinical testing. Allele origin: unknown. Not counted in ClinVar's aggregate classification.

Literature cited by the submitters: PubMed 31843900 (cited by 4 submitters); PubMed 29021639 (cited by Quest Diagnostics Nichols Institute San Juan Capistrano); PubMed 25556971 (cited by Quest Diagnostics Nichols Institute San Juan Capistrano and Counsyl); PubMed 28339459 (cited by University of Washington Department of Laboratory Medicine, University of Washington).

NM_007294.4(BRCA1):c.5022C>T (p.Ile1674=)

Gene: BRCA1 (BRCA1 DNA repair associated; minus strand). Cytogenetic location: 17q21.31.
Variant type: single nucleotide variant.
Coding change: c.5022C>T on transcript NM_007294.4 (MANE Select); coding-DNA position 5022, C replaced by T.
Protein change: p.Ile1674=; no amino-acid change (isoleucine 1674 retained).
Molecular consequence: synonymous variant. On other transcripts: intron variant (1).
Genome position (GRCh38, 1-based): chr17:43,067,660, G>A on the plus strand (C>T on the coding strand, the complement: BRCA1 is on the minus strand). VCF-style: chr17-43067660-G-A. GRCh37 (hg19) VCF-style: chr17-41219677-G-A.
Other names: c.5085C>T (NM_007300.3); c.4809C>T, p.Ile1603= (NM_001407571.1, NM_001407894.1, NM_001407895.1 and 12 more transcripts); c.5088C>T, p.Ile1696= (NM_001407581.1, NM_001407582.1); c.5085C>T, p.Ile1695= (NM_001407583.1, NM_001407585.1, NM_001407587.1 and 1 more transcripts); c.5082C>T, p.Ile1694= (NM_001407590.1, NM_001407591.1); c.5022C>T, p.Ile1674= (NM_001407593.1, NM_001407594.1, NM_001407596.1 and 8 more transcripts); c.5019C>T, p.Ile1673= (NM_001407610.1, NM_001407611.1, NM_001407612.1 and 17 more transcripts); c.5016C>T, p.Ile1672= (NM_001407627.1, NM_001407628.1, NM_001407629.1 and 14 more transcripts); and 72 more.
Identifiers: ClinVar variation 187617 (VCV000187617.53), dbSNP rs786203868, ClinGen allele CA003155.